The following is an entry in ClinVar:

NM_000169.3(GLA):c.640-1G>C

Genes: GLA (galactosidase alpha; minus strand), RPL36A-HNRNPH2 (RPL36A-HNRNPH2 readthrough; plus strand). Cytogenetic location: Xq22.1.
Variant type: single nucleotide variant.
Coding change: c.640-1G>C on transcript NM_000169.3 (MANE Select); the canonical splice acceptor site of the intron before coding-DNA position 640, G replaced by C.
Molecular consequence: splice acceptor variant. On other transcripts: intron variant (2).
Genome position (GRCh38, 1-based): chrX:101,398,947, C>G on the plus strand (G>C on the coding strand, the complement: GLA is on the minus strand). VCF-style: chrX-101398947-C-G. GRCh37 (hg19) VCF-style: chrX-100653935-C-G.
Other names: c.300+3490C>G (NM_001199973.2); c.177+7125C>G (NM_001199974.2); c.763-1G>C (NM_001406747.1); c.640-1G>C (NM_001406748.1).
Identifiers: ClinVar variation 4087220 (VCV004087220.2).

ClinVar aggregate classification (germline): Pathogenic (1 of 4 stars; one submission).

Conditions:
Fabry disease. Also called: ALPHA-GALACTOSIDASE A DEFICIENCY; ANDERSON-FABRY DISEASE; CERAMIDE TRIHEXOSIDASE DEFICIENCY; GLA DEFICIENCY; HEREDITARY DYSTOPIC LIPIDOSIS; Angiokeratoma corporis diffusum. Identifiers: Orphanet 324, MedGen C0002986, MONDO:0010526, OMIM 301500, HP:0001071. Disease mechanism: Fabry disease is due to inactivating mutations in the X-linked GLA gene resulting in deficiency of the enzyme Alpha Galactosidase-A., loss of function.

Submission:

Genomenon, Inc
Classification: Pathogenic for Fabry disease. Last evaluated: 2026-09-08. Review status: criteria provided, single submitter. Criteria: Genomenon Sequence Variant Interpretation Standards - Updated. Collection method: curation. Allele origin: germline. Affected: yes.
Comment: GLA c.640-1G>C is a canonical splice variant affecting the acceptor splice site of intron 4. It is predicted to affect mRNA splicing, leading to a deleterious effect on the GLA protein. This variant has been observed in at least one proband with clinical features consistent with Fabry disease (PMID:30211005;31392112). The variant was found to segregate with disease in at least one affected family (PMID:30211005). Functional or patient cell studies have been reported (PMID:30211005;31392112). It is absent or not present at a significant frequency in gnomAD. In conclusion, we classify GLA c.640-1G>C as a pathogenic variant.

Literature cited by the submitters: PubMed 30211005; PubMed 31392112.